The following is an entry in ClinVar:

ClinVar aggregate classification (germline): Uncertain significance (1 of 4 stars; one submission).

Allele frequency attached by ClinVar (database versions not stated): ExAC 0.00001; gnomAD 0.00001; TOPMed 0.00001.
gnomAD v4.1: 9 of 1,613,810 alleles (0.00056%); highest among the groups gnomAD compares: African/African-American, 0.0027%; no homozygotes.

Submission:

Labcorp Genetics (formerly Invitae), Labcorp
Classification: Uncertain significance. Last evaluated: 2024-02-17. Review status: criteria provided, single submitter. Criteria: Invitae Variant Classification Sherloc (09022015). Collection method: clinical testing. Allele origin: germline.
Comment: This sequence change replaces arginine, which is basic and polar, with lysine, which is basic and polar, at codon 2176 of the MYO18B protein (p.Arg2176Lys). This variant is present in population databases (rs752502738, gnomAD 0.003%). This variant has not been reported in the literature in individuals affected with MYO18B-related conditions. ClinVar contains an entry for this variant (Variation ID: 1909507). An algorithm developed to predict the effect of missense changes on protein structure and function (PolyPhen-2) suggests that this variant¬†is likely to be tolerated. In summary, the available evidence is currently insufficient to determine the role of this variant in disease. Therefore, it has been classified as a Variant of Uncertain Significance.

NM_032608.7(MYO18B):c.6527G>A (p.Arg2176Lys)

Gene: MYO18B (myosin XVIIIB; plus strand). Cytogenetic location: 22q12.1.
Variant type: single nucleotide variant.
Coding change: c.6527G>A on transcript NM_032608.7 (MANE Select); coding-DNA position 6527, G replaced by A.
Protein change: p.Arg2176Lys; replaces arginine 2176 with lysine.
Molecular consequence: missense variant.
Genome position (GRCh38, 1-based): chr22:26,026,501, G>A. VCF-style: chr22-26026501-G-A. GRCh37 (hg19) VCF-style: chr22-26422467-G-A.
Other names: c.6530G>A, p.Arg2177Lys (NM_001318245.2); short protein forms R2176K, R2177K.
Identifiers: ClinVar variation 1909507 (VCV001909507.4), dbSNP rs752502738, ClinGen allele CA10161558.